The following is an entry in ClinVar:

ClinVar aggregate classification (germline): Uncertain significance (1 of 4 stars; one submission).

Allele frequency attached by ClinVar (database versions not stated): gnomAD exomes below 0.00001; TOPMed 0.00001.
gnomAD v4.1: 6 of 1,601,680 alleles (0.00037%); highest among the groups gnomAD compares: Admixed American, 0.005%; no homozygotes.

Submission:

Labcorp Genetics (formerly Invitae), Labcorp
Classification: Uncertain significance. Last evaluated: 2024-03-06. Review status: criteria provided, single submitter. Criteria: Invitae Variant Classification Sherloc (09022015). Collection method: clinical testing. Allele origin: germline.
Comment: This sequence change falls in intron 2 of the CAMK2B gene. It does not directly change the encoded amino acid sequence of the CAMK2B protein. It affects a nucleotide within the consensus splice site. This variant is present in population databases (no rsID available, gnomAD 0.006%). This variant has not been reported in the literature in individuals affected with CAMK2B-related conditions. ClinVar contains an entry for this variant (Variation ID: 2156478). Variants that disrupt the consensus splice site are a relatively common cause of aberrant splicing (PMID: 17576681, 9536098). Algorithms developed to predict the effect of sequence changes on RNA splicing suggest that this variant is not likely to affect RNA splicing. In summary, the available evidence is currently insufficient to determine the role of this variant in disease. Therefore, it has been classified as a Variant of Uncertain Significance.

Literature cited by the submitters: PubMed 17576681; PubMed 9536098.

NM_001220.5(CAMK2B):c.160+6G>A

Gene: CAMK2B (calcium/calmodulin dependent protein kinase II beta; minus strand). Cytogenetic location: 7p13.
Variant type: single nucleotide variant.
Coding change: c.160+6G>A on transcript NM_001220.5 (MANE Select); 6 bases into the intron after coding-DNA position 160, G replaced by A.
Molecular consequence: intron variant.
Genome position (GRCh38, 1-based): chr7:44,284,125, C>T on the plus strand (G>A on the coding strand, the complement: CAMK2B is on the minus strand). VCF-style: chr7-44284125-C-T. GRCh37 (hg19) VCF-style: chr7-44323724-C-T.
Other names: c.160+6G>A (NM_172084.3, NM_172080.3, NM_172083.3 and 5 more transcripts).
Identifiers: ClinVar variation 2156478 (VCV002156478.4), dbSNP rs1222859691, ClinGen allele CA573798925.